The following is an entry in ClinVar:

ClinVar aggregate classification (germline): Likely benign. Review status: criteria provided, multiple submitters, no conflicts (2 of 4 stars). 6 submissions from 6 submitters: Likely benign (4). 2 of the submissions do not count toward it. Last evaluated 2026-01-27.

Conditions:
RTEL1-related disorder. Also called: RTEL1-related condition; RTEL1-related disorders.
Inborn genetic diseases. Identifiers: MedGen C0950123, MeSH D030342.
Pulmonary fibrosis and/or bone marrow failure, Telomere-related, 3. Also called: PULMONARY FIBROSIS AND/OR BONE MARROW FAILURE SYNDROME, TELOMERE-RELATED, 3. Identifiers: Orphanet 2032, MedGen C4225346, MONDO:0014613, OMIM 616373.
Dyskeratosis congenita, autosomal recessive 5 (DKCB5). Identifiers: MedGen C3554656, MONDO:0014076, OMIM 615190.
Dyskeratosis congenita. Identifiers: Orphanet 1775, MedGen C0265965, MONDO:0015780.

Allele frequency attached by ClinVar (database versions not stated): TOPMed 0.00005; gnomAD 0.00006; ESP Exome Variant Server 0.00008; gnomAD exomes 0.00009; ExAC 0.00012; 1000 Genomes Project 30x 0.00016; 1000 Genomes Project 0.00020.
gnomAD v4.1: 106 of 1,612,634 alleles (0.0066%); highest among the groups gnomAD compares: Admixed American, 0.017%; no homozygotes.

Submissions (6):

Labcorp Genetics (formerly Invitae), Labcorp
Classification: Likely benign for Dyskeratosis congenita, autosomal recessive 5; Pulmonary fibrosis and/or bone marrow failure, Telomere-related, 3. Last evaluated: 2026-01-27. Review status: criteria provided, single submitter. Criteria: Invitae Variant Classification Sherloc (09022015). Collection method: clinical testing. Allele origin: germline.

Mayo Clinic Laboratories, Mayo Clinic
Classification: Likely benign. Last evaluated: 2025-10-10. Review status: criteria provided, single submitter. Criteria: ACMG Guidelines, 2015. Collection method: clinical testing. Allele origin: germline. Observed: 1 variant allele.
Comment: BP4, BP7

Blueprint Genetics
Classification: Likely benign. Last evaluated: 2024-11-26. Review status: criteria provided, single submitter. Criteria: ACMG Guidelines, 2015. Collection method: clinical testing. Allele origin: germline.

Ambry Genetics
Classification: Likely benign for Inborn genetic diseases. Last evaluated: 2024-11-21. Review status: criteria provided, single submitter. Criteria: Ambry Variant Classification Scheme 2023. Collection method: clinical testing. Allele origin: germline.

PreventionGenetics, part of Exact Sciences
Classification: Likely benign for RTEL1-related condition. Last evaluated: 2020-03-12. Review status: no assertion criteria provided. Collection method: clinical testing. Allele origin: germline. Not counted in ClinVar's aggregate classification.
Comment: This variant is classified as likely benign based on ACMG/AMP sequence variant interpretation guidelines (Richards et al. 2015 PMID: 25741868, with internal and published modifications).

Natera, Inc.
Classification: Likely benign for Dyskeratosis congenita. Last evaluated: 2020-02-06. Review status: no assertion criteria provided. Collection method: clinical testing. Allele origin: germline. Not counted in ClinVar's aggregate classification.

NM_001283009.2(RTEL1):c.3267C>T (p.Asp1089=)

Genes: RTEL1 (regulator of telomere elongation helicase 1; plus strand), RTEL1-TNFRSF6B (RTEL1-TNFRSF6B readthrough (NMD candidate); plus strand). Cytogenetic location: 20q13.33.
Variant type: single nucleotide variant.
Coding change: c.3267C>T on transcript NM_001283009.2 (MANE Select); coding-DNA position 3267, C replaced by T.
Protein change: p.Asp1089=; no amino-acid change (aspartic acid 1089 retained).
Molecular consequence: synonymous variant. On other transcripts: non-coding transcript variant (1).
Genome position (GRCh38, 1-based): chr20:63,694,898, C>T. VCF-style: chr20-63694898-C-T. GRCh37 (hg19) VCF-style: chr20-62326251-C-T.
Other names: p.Asp1113=; c.3339C>T (NM_032957.4); c.2598C>T, p.Asp866= (NM_001283010.1); c.3267C>T, p.Asp1089= (NM_016434.4); c.3339C>T, p.Asp1113= (NM_032957.5).
Identifiers: ClinVar variation 739535 (VCV000739535.17), dbSNP rs370637234, ClinGen allele CA9965928.
Genomic context (GRCh38, chr20:63,694,898, plus strand): 5'-GGCCCTGGGGTCCGCGGGCTGTAGCCAACTCTTGGCAGCGCTGACAGCCTATAAGCAAGA[C>T]GACGACCTCGACAAGGTGCTGGCTGTGTTGGCCGCCCTGACCACTGCAAAGCCAGAGGAC-3'
Protein context (NP_001269938.1, residues 1079-1099): LLAALTAYKQ[Asp1089=]DDLDKVLAVL